The following is an entry in ClinVar:

NM_000540.3(RYR1):c.9162C>G (p.Val3054=)

Gene: RYR1 (ryanodine receptor 1; plus strand). Cytogenetic location: 19q13.2.
Variant type: single nucleotide variant.
Coding change: c.9162C>G on transcript NM_000540.3 (MANE Select); coding-DNA position 9162, C replaced by G.
Protein change: p.Val3054=; no amino-acid change (valine 3054 retained).
Molecular consequence: synonymous variant.
Genome position (GRCh38, 1-based): chr19:38,511,600, C>G. VCF-style: chr19-38511600-C-G. GRCh37 (hg19) VCF-style: chr19-39002240-C-G.
Other names: c.9162C>G, p.Val3054= (NM_001042723.2).
Identifiers: ClinVar variation 3072745 (VCV003072745.1), dbSNP rs2514400192, ClinGen allele CA507246468.

ClinVar aggregate classification (germline): Likely benign (1 of 4 stars; one submission).

Conditions:
Malignant hyperthermia, susceptibility to, 1 (MHS1). Also called: Anesthesia related hyperthermia; Malignant hyperpyrexia; Fulminating hyperpyrexia; Pharmacogenic myopathy; RYR1-Related Malignant Hyperthermia Susceptibility; Malignant hyperthermia suceptibility 1. Identifiers: Orphanet 423, MedGen C2930980, MONDO:0007783, OMIM 145600.

Submission:

All of Us Research Program, National Institutes of Health
Classification: Likely benign for Malignant hyperthermia, susceptibility to, 1. Last evaluated: 2023-08-15. Review status: criteria provided, single submitter. Criteria: ACMG Guidelines, 2015. Collection method: clinical testing. Allele origin: germline. Inheritance: Autosomal dominant inheritance. Observed: 1 variant allele, 1 heterozygote.
Comment: This study involves interpretation of variants in research participants for the purpose of population health screening. Participant phenotype was not available at the time of variant classification. Additional details can be found in publication PMID: 35346344, PMCID: PMC8962531